The following is an entry in ClinVar:

ClinVar aggregate classification (germline): Uncertain significance (1 of 4 stars; one submission).

Conditions:
Familial sleep-related hypermotor epilepsy. Also called: Autosomal Dominant Sleep-Related Hypermotor (Hyperkinetic) Epilepsy. Identifiers: Orphanet 98784, MedGen C3696898, MONDO:0000030.

Submission:

Labcorp Genetics (formerly Invitae), Labcorp
Classification: Uncertain significance. Last evaluated: 2025-09-20. Review status: criteria provided, single submitter. Criteria: Invitae Variant Classification Sherloc (09022015). Collection method: clinical testing. Allele origin: germline.
Comment: This sequence change disrupts the translational stop signal of the CHRNA2 mRNA. It is expected to extend the length of the CHRNA2 protein by 42 additional amino acid residues. This variant is not present in population databases (gnomAD no frequency). This variant has not been reported in the literature in individuals affected with CHRNA2-related conditions. Experimental studies and prediction algorithms are not available or were not evaluated, and the functional significance of this variant is currently unknown. In summary, the available evidence is currently insufficient to determine the role of this variant in disease. Therefore, it has been classified as a Variant of Uncertain Significance.

NM_000742.4(CHRNA2):c.1588T>C (p.Ter530Arg)

Gene: CHRNA2 (cholinergic receptor nicotinic alpha 2 subunit; minus strand). Cytogenetic location: 8p21.2.
Variant type: single nucleotide variant.
Coding change: c.1588T>C on transcript NM_000742.4 (MANE Select); coding-DNA position 1588, T replaced by C.
Protein change: p.Ter530Arg.
Molecular consequence: stop lost.
Genome position (GRCh38, 1-based): chr8:27,461,631, A>G on the plus strand (T>C on the coding strand, the complement: CHRNA2 is on the minus strand). VCF-style: chr8-27461631-A-G. GRCh37 (hg19) VCF-style: chr8-27319148-A-G.
Other names: c.1543T>C, p.Ter515Arg (NM_001282455.2); c.1111T>C, p.Ter371Arg (NM_001347705.2, NM_001347706.2); c.994T>C, p.Ter332Arg (NM_001347707.2, NM_001347708.2).
Identifiers: ClinVar variation 4727487 (VCV004727487.1).